The following is an entry in ClinVar:

NM_000531.6(OTC):c.360G>A (p.Val120=)

Gene: OTC (ornithine transcarbamylase; plus strand). Cytogenetic location: Xp11.4.
Variant type: single nucleotide variant.
Coding change: c.360G>A on transcript NM_000531.6 (MANE Select); coding-DNA position 360, G replaced by A.
Protein change: p.Val120=; no amino-acid change (valine 120 retained).
Molecular consequence: synonymous variant.
Genome position (GRCh38, 1-based): chrX:38,381,403, G>A. VCF-style: chrX-38381403-G-A. GRCh37 (hg19) VCF-style: chrX-38240656-G-A.
Identifiers: ClinVar variation 529419 (VCV000529419.14), dbSNP rs768780957, ClinGen allele CA10385844.

ClinVar aggregate classification (germline): Likely benign. Review status: criteria provided, multiple submitters, no conflicts (2 of 4 stars). 3 submissions from 3 submitters: Likely benign (3). Last evaluated 2025-12-08.

Conditions:
Ornithine carbamoyltransferase deficiency (OTCD). Also called: Ornithine Carbamoyltransferase Deficiency Disease; OTC DEFICIENCY; ORNITHINE TRANSCARBAMYLASE DEFICIENCY; ORNITHINE TRANSCARBAMYLASE DEFICIENCY, HYPERAMMONEMIA DUE TO. Identifiers: Orphanet 664, MedGen C0268542, MONDO:0010703, OMIM 311250.

Allele frequency attached by ClinVar (database versions not stated): ExAC 0.00001; gnomAD exomes 0.00001 and 0.00003; gnomAD 0.00003 and 0.00004; TOPMed 0.00004.
gnomAD v4.1: 19 of 1,198,156 alleles (0.0016%); highest among the groups gnomAD compares: Middle Eastern, 0.023%; no homozygotes.

Submissions (3):

Labcorp Genetics (formerly Invitae), Labcorp
Classification: Likely benign for Ornithine carbamoyltransferase deficiency. Last evaluated: 2025-12-08. Review status: criteria provided, single submitter. Criteria: Invitae Variant Classification Sherloc (09022015). Collection method: clinical testing. Allele origin: germline.

All of Us Research Program, National Institutes of Health
Classification: Likely benign for Ornithine carbamoyltransferase deficiency. Last evaluated: 2023-12-01. Review status: criteria provided, single submitter. Criteria: ACMG Guidelines, 2015. Collection method: clinical testing. Allele origin: germline. Inheritance: X-linked inheritance. Observed: 6 variant alleles, 5 heterozygotes, 1 homozygote.
Comment: This study involves interpretation of variants in research participants for the purpose of population health screening. Participant phenotype was not available at the time of variant classification. Additional details can be found in publication PMID: 35346344, PMCID: PMC8962531

Blueprint Genetics
Classification: Likely benign. Last evaluated: 2023-08-14. Review status: criteria provided, single submitter. Criteria: ACMG Guidelines, 2015. Collection method: clinical testing. Allele origin: germline.